The following is an entry in ClinVar:

NM_002332.3(LRP1):c.4690G>A (p.Ala1564Thr)

Gene: LRP1 (LDL receptor related protein 1; plus strand). Cytogenetic location: 12q13.3.
Variant type: single nucleotide variant.
Coding change: c.4690G>A on transcript NM_002332.3 (MANE Select); coding-DNA position 4690, G replaced by A.
Protein change: p.Ala1564Thr; replaces alanine 1564 with threonine.
Molecular consequence: missense variant.
Genome position (GRCh38, 1-based): chr12:57,178,973, G>A. VCF-style: chr12-57178973-G-A. GRCh37 (hg19) VCF-style: chr12-57572756-G-A.
Other names: short protein forms A1564T.
Identifiers: ClinVar variation 3868074 (VCV003868074.2).

ClinVar aggregate classification (germline): Uncertain significance. Review status: criteria provided, multiple submitters, no conflicts (2 of 4 stars). 2 submissions from 2 submitters: Uncertain significance (2). Last evaluated 2025-02-13.

gnomAD v4.1: 134 of 1,614,044 alleles (0.0083%); highest among the groups gnomAD compares: African/African-American, 0.12%; no homozygotes.

Submissions (2):

Ambry Genetics
Classification: Uncertain significance. Last evaluated: 2025-02-13. Review status: criteria provided, single submitter. Criteria: Ambry Variant Classification Scheme 2023. Collection method: clinical testing. Allele origin: germline.

GeneDx
Classification: Uncertain significance. Last evaluated: 2023-12-20. Review status: criteria provided, single submitter. Criteria: GeneDx Variant Classification Process June 2021. Collection method: clinical testing. Allele origin: germline.
Comment: Has not been previously published as pathogenic or benign to our knowledge; In silico analysis supports that this missense variant does not alter protein structure/function; Variants in candidate genes are classified as variants of uncertain significance in accordance with ACMG guidelines (PMID: 25741868)